The following is an entry in ClinVar:

ClinVar aggregate classification (germline): Uncertain significance (1 of 4 stars; one submission).

gnomAD v4.1: 2 of 1,613,108 alleles (0.00012%); highest among the groups gnomAD compares: Non-Finnish European, 0.00017%; no homozygotes.

Submission:

Laboratorio de Genetica e Diagnostico Molecular, Hospital Israelita Albert Einstein
Classification: Uncertain significance. Last evaluated: 2021-03-26. Review status: criteria provided, single submitter. Criteria: ACMG Guidelines, 2015. Collection method: clinical testing. Allele origin: germline. Affected: yes.
Comment: ACMG classification criteria: PM2, PP2, BP4

NM_007118.4(TRIO):c.3547G>A (p.Glu1183Lys)

Gene: TRIO (trio Rho guanine nucleotide exchange factor; plus strand). Cytogenetic location: 5p15.2.
Variant type: single nucleotide variant.
Coding change: c.3547G>A on transcript NM_007118.4 (MANE Select); coding-DNA position 3547, G replaced by A.
Protein change: p.Glu1183Lys; replaces glutamic acid 1183 with lysine.
Molecular consequence: missense variant. On other transcripts: non-coding transcript variant (1).
Genome position (GRCh38, 1-based): chr5:14,381,229, G>A. VCF-style: chr5-14381229-G-A. GRCh37 (hg19) VCF-style: chr5-14381338-G-A.
Other names: short protein forms E1183K.
Identifiers: ClinVar variation 1690618 (VCV001690618.2), dbSNP rs764481461, ClinGen allele CA359223213.
Genomic context (GRCh38, chr5:14,381,229, plus strand): 5'-TCCACACACACCTCCACGGGCTCCAGTATACAGCACACCCAGGAGCTCCTGAAAGAGCAC[G>A]AGGAGTTCCAGATAACTGCAAAGGTGGGTTCAGAGTGTACTTTGTATAGTGGCCTCTAAG-3'
Protein context (NP_009049.2, residues 1173-1193): QHTQELLKEH[Glu1183Lys]EFQITAKQTK